The following is an entry in ClinVar:

NC_000011.9:g.(?_108117671)_(108160548_?)dup

Gene: ATM (ATM serine/threonine kinase; plus strand). Cytogenetic location: 11q22.3.
Variant type: Duplication.
Identifiers: ClinVar variation 1067243 (VCV001067243.2).

ClinVar aggregate classification (germline): Likely pathogenic (1 of 4 stars; one submission).

Conditions:
Ataxia-telangiectasia syndrome (AT). Also called: LOUIS-BAR SYNDROME; Ataxia-telangiectasia, complementation group D; AT, COMPLEMENTATION GROUP C; Cerebello-oculocutaneous telangiectasia; Immunodeficiency with ataxia telangiectasia; ATAXIA-TELANGIECTASIA, COMPLEMENTATION GROUP A. Identifiers: Orphanet 100, MedGen C0004135, MONDO:0008840, OMIM 208900.

Submission:

Labcorp Genetics (formerly Invitae), Labcorp
Classification: Likely pathogenic for Ataxia-telangiectasia syndrome. Last evaluated: 2020-03-31. Review status: criteria provided, single submitter. Criteria: Invitae Variant Classification Sherloc (09022015). Collection method: clinical testing. Allele origin: germline.
Comment: This variant results in a copy number gain of the genomic region encompassing exons 8-29 of the ATM gene. While the exact position of this variant cannot be determined from this data, sub-genic copy number gains are generally in tandem (PMID: 25640679) and may result in an absent or disrupted protein product. This variant has not been reported in the literature in individuals with ATM-related conditions. Loss-of-function variants in ATM are known to be pathogenic (PMID: 23807571, 25614872). In summary, the currently available evidence indicates that the variant is pathogenic, but additional data are needed to prove that conclusively. Therefore, this variant has been classified as Likely Pathogenic.

Literature cited by the submitters: PubMed 25640679; PubMed 23807571; PubMed 25614872.